The following is an entry in ClinVar:

NM_000051.4(ATM):c.3754T>C (p.Tyr1252His)

Gene: ATM (ATM serine/threonine kinase; plus strand). Cytogenetic location: 11q22.3.
Variant type: single nucleotide variant.
Coding change: c.3754T>C on transcript NM_000051.4 (MANE Select); coding-DNA position 3754, T replaced by C.
Protein change: p.Tyr1252His; replaces tyrosine 1252 with histidine.
Molecular consequence: missense variant.
Genome position (GRCh38, 1-based): chr11:108,284,234, T>C. VCF-style: chr11-108284234-T-C. GRCh37 (hg19) VCF-style: chr11-108154961-T-C.
Other names: c.3754T>C, p.Tyr1252His (NM_001351834.2); short protein forms Y1252H.
Identifiers: ClinVar variation 1049558 (VCV001049558.2), dbSNP rs2135704307, ClinGen allele CA382524216.

ClinVar aggregate classification (germline): Uncertain significance (0 of 4 stars; one submission).

Conditions:
Malignant tumor of breast. Also called: Malignant breast neoplasm; Cancer breast. Identifiers: MedGen C0006142, MONDO:0007254. Disease mechanism: loss of function.

Allele frequency attached by ClinVar (database versions not stated): gnomAD exomes below 0.00001.
gnomAD v4.1: 1 of 1,607,700 alleles (0.000062%); highest among the groups gnomAD compares: Non-Finnish European, 0.000085%; no homozygotes.

Submission:

Department of Pathology and Laboratory Medicine, Sinai Health System
Classification: Uncertain significance for Malignant tumor of breast. Review status: no assertion criteria provided. Collection method: clinical testing. Allele origin: unknown. Affected: yes. Study: The Canadian Open Genetics Repository (COGR).
Comment: The ATM p.Tyr1252His variant was not identified in the literature nor was it identified in the dbSNP, ClinVar, Cosmic, MutDB, LOVD 3.0, databases. The variant was not identified in the following control databases: the 1000 Genomes Project, the NHLBI GO Exome Sequencing Project, the Exome Aggregation Consortium (August 8th 2016), or the Genome Aggregation Database (Feb 27, 2017). The p.Tyr1252His residue is conserved in mammals but not in more distantly related organisms however four out of five computational analyses (PolyPhen-2, SIFT, AlignGVGD, BLOSUM, MutationTaster) do not suggest a high likelihood of impact to the protein; this information is not predictive enough to rule out pathogenicity. The variant occurs outside of the splicing consensus sequence and in silico or computational prediction software programs (SpliceSiteFinder, MaxEntScan, NNSPLICE, GeneSplicer, HumanSpliceFinder) do not predict a difference in splicing. In summary, based on the above information the clinical significance of this variant cannot be determined with certainty at this time. This variant is classified as a variant of uncertain significance.